The following is an entry in ClinVar:

NM_032043.3(BRIP1):c.3083A>G (p.Asn1028Ser)

Gene: BRIP1 (BRCA1 interacting DNA helicase 1; minus strand). Cytogenetic location: 17q23.2.
Variant type: single nucleotide variant.
Coding change: c.3083A>G on transcript NM_032043.3 (MANE Select); coding-DNA position 3083, A replaced by G.
Protein change: p.Asn1028Ser; replaces asparagine 1028 with serine.
Molecular consequence: missense variant.
Genome position (GRCh38, 1-based): chr17:61,683,963, T>C on the plus strand (A>G on the coding strand, the complement: BRIP1 is on the minus strand). VCF-style: chr17-61683963-T-C. GRCh37 (hg19) VCF-style: chr17-59761324-T-C.
Other names: short protein forms N1028S.
Identifiers: ClinVar variation 407840 (VCV000407840.8), dbSNP rs1060501762, ClinGen allele CA16615825.

ClinVar aggregate classification (germline): Uncertain significance. Review status: criteria provided, multiple submitters, no conflicts (2 of 4 stars). 3 submissions from 3 submitters: Uncertain significance (3). Last evaluated 2024-06-21.

Conditions:
Hereditary cancer-predisposing syndrome. Also called: Hereditary neoplastic syndrome; Neoplastic Syndromes, Hereditary; Tumor predisposition; Hereditary Cancer Syndrome. Identifiers: Orphanet 140162, MedGen C0027672, MeSH D009386, MONDO:0015356.
Familial cancer of breast. Also called: Hereditary breast cancer; hereditary breast carcinoma; BREAST CANCER, FAMILIAL. Identifiers: Orphanet 227535, MedGen C0346153, MONDO:0016419, OMIM 114480. Disease mechanism: loss of function.
Fanconi anemia complementation group J. Also called: BRIP1-Related Fanconi Anemia. Identifiers: Orphanet 84, MedGen C1836860, MONDO:0012187, OMIM 609054.

Allele frequency attached by ClinVar (database versions not stated): gnomAD exomes below 0.00001; TOPMed 0.00002.
gnomAD v4.1: 2 of 1,614,190 alleles (0.00012%); highest among the groups gnomAD compares: Non-Finnish European, 0.00017%; no homozygotes.

Submissions (3):

Ambry Genetics
Classification: Uncertain significance for Hereditary cancer-predisposing syndrome. Last evaluated: 2024-06-21. Review status: criteria provided, single submitter. Criteria: Ambry Variant Classification Scheme 2023. Collection method: clinical testing. Allele origin: germline.
Comment: The p.N1028S variant (also known as c.3083A>G), located in coding exon 19 of the BRIP1 gene, results from an A to G substitution at nucleotide position 3083. The asparagine at codon 1028 is replaced by serine, an amino acid with highly similar properties. This amino acid position is conserved. In addition, this alteration is predicted to be tolerated by in silico analysis. Based on the available evidence, the clinical significance of this variant remains unclear.

Baylor Genetics
Classification: Uncertain significance for Familial cancer of breast. Last evaluated: 2023-05-26. Review status: criteria provided, single submitter. Criteria: ACMG Guidelines, 2015. Collection method: clinical testing. Allele origin: unknown.

Labcorp Genetics (formerly Invitae), Labcorp
Classification: Uncertain significance for Familial cancer of breast; Fanconi anemia complementation group J. Last evaluated: 2022-08-16. Review status: criteria provided, single submitter. Criteria: Invitae Variant Classification Sherloc (09022015). Collection method: clinical testing. Allele origin: germline.
Comment: This sequence change replaces asparagine, which is neutral and polar, with serine, which is neutral and polar, at codon 1028 of the BRIP1 protein (p.Asn1028Ser). This variant is not present in population databases (gnomAD no frequency). This variant has not been reported in the literature in individuals affected with BRIP1-related conditions. ClinVar contains an entry for this variant (Variation ID: 407840). Algorithms developed to predict the effect of missense changes on protein structure and function output the following: SIFT: "Tolerated"; PolyPhen-2: "Benign"; Align-GVGD: "Class C0". The serine amino acid residue is found in multiple mammalian species, which suggests that this missense change does not adversely affect protein function. In summary, the available evidence is currently insufficient to determine the role of this variant in disease. Therefore, it has been classified as a Variant of Uncertain Significance.